The following is an entry in ClinVar:

ClinVar aggregate classification (germline): Uncertain significance (1 of 4 stars; one submission).

Submission:

CeGaT Center for Human Genetics Tuebingen
Classification: Uncertain significance. Last evaluated: 2025-04-01. Review status: criteria provided, single submitter. Criteria: CeGaT Center For Human Genetics Tuebingen Variant Classification Criteria Version 2. Collection method: clinical testing. Allele origin: germline. Affected: yes. Observed: 1 variant allele.
Comment: ZNF423: PM2

NM_001379286.1(ZNF423):c.3304G>T (p.Gly1102Cys)

Gene: ZNF423 (zinc finger protein 423; minus strand). Cytogenetic location: 16q12.1.
Variant type: single nucleotide variant.
Coding change: c.3304G>T on transcript NM_001379286.1 (MANE Select); coding-DNA position 3304, G replaced by T.
Protein change: p.Gly1102Cys; replaces glycine 1102 with cysteine.
Molecular consequence: missense variant.
Genome position (GRCh38, 1-based): chr16:49,635,872, C>A on the plus strand (G>T on the coding strand, the complement: ZNF423 is on the minus strand). VCF-style: chr16-49635872-C-A. GRCh37 (hg19) VCF-style: chr16-49669783-C-A.
Other names: c.3100G>T, p.Gly1034Cys (NM_001271620.2); c.2929G>T, p.Gly977Cys (NM_001330533.2); c.3280G>T, p.Gly1094Cys (NM_015069.5); short protein forms G1034C, G1094C, G1102C, G977C.
Identifiers: ClinVar variation 3898640 (VCV003898640.7).